The following is an entry in ClinVar:

NM_015335.5(MED13L):c.3756A>G (p.Gln1252=)

Gene: MED13L (mediator complex subunit 13L; minus strand). Cytogenetic location: 12q24.21.
Variant type: single nucleotide variant.
Coding change: c.3756A>G on transcript NM_015335.5 (MANE Select); coding-DNA position 3756, A replaced by G.
Protein change: p.Gln1252=; no amino-acid change (glutamine 1252 retained).
Molecular consequence: synonymous variant.
Genome position (GRCh38, 1-based): chr12:115,991,198, T>C on the plus strand (A>G on the coding strand, the complement: MED13L is on the minus strand). VCF-style: chr12-115991198-T-C. GRCh37 (hg19) VCF-style: chr12-116429003-T-C.
Identifiers: ClinVar variation 2643365 (VCV002643365.25), dbSNP rs952740214, ClinGen allele CA244149682.

ClinVar aggregate classification (germline): Benign/Likely benign. Review status: criteria provided, multiple submitters, no conflicts (2 of 4 stars). 2 submissions from 2 submitters: Benign (1); Likely benign (1). Last evaluated 2026-01-14.

Conditions:
Dextro-looped transposition of the great arteries. Also called: Dextrotransposition of the great arteries. Identifiers: Orphanet 860, MedGen C3531771, MONDO:0019443, OMIM 608808, HP:0031348.

Allele frequency attached by ClinVar (database versions not stated): gnomAD exomes 0.00001; gnomAD 0.00002; TOPMed 0.00002.
gnomAD v4.1: 13 of 1,614,042 alleles (0.00081%); highest among the groups gnomAD compares: Admixed American, 0.0033%; no homozygotes.

Submissions (2):

Labcorp Genetics (formerly Invitae), Labcorp
Classification: Benign for Dextro-looped transposition of the great arteries. Last evaluated: 2026-01-14. Review status: criteria provided, single submitter. Criteria: Invitae Variant Classification Sherloc (09022015). Collection method: clinical testing. Allele origin: germline.

CeGaT Center for Human Genetics Tuebingen
Classification: Likely benign. Last evaluated: 2022-03-01. Review status: criteria provided, single submitter. Criteria: CeGaT Center For Human Genetics Tuebingen Variant Classification Criteria Version 2. Collection method: clinical testing. Allele origin: germline. Affected: yes. Observed: 1 variant allele.
Comment: MED13L: BP4, BP7